The following is an entry in ClinVar:

ClinVar aggregate classification (germline): Uncertain significance (1 of 4 stars; one submission).

Allele frequency attached by ClinVar (database versions not stated): TOPMed below 0.00001; gnomAD 0.00001.
gnomAD v4.1: 1 of 1,603,030 alleles (0.000062%); highest among the groups gnomAD compares: Non-Finnish European, 0.000085%; no homozygotes.

Submission:

Labcorp Genetics (formerly Invitae), Labcorp
Classification: Uncertain significance. Last evaluated: 2023-06-14. Review status: criteria provided, single submitter. Criteria: Invitae Variant Classification Sherloc (09022015). Collection method: clinical testing. Allele origin: germline.
Comment: Advanced modeling of protein sequence and biophysical properties (such as structural, functional, and spatial information, amino acid conservation, physicochemical variation, residue mobility, and thermodynamic stability) performed at Invitae indicates that this missense variant is not expected to disrupt ZCCHC8 protein function. This variant has not been reported in the literature in individuals affected with ZCCHC8-related conditions. This variant is not present in population databases (gnomAD no frequency). This sequence change replaces glycine, which is neutral and non-polar, with serine, which is neutral and polar, at codon 551 of the ZCCHC8 protein (p.Gly551Ser). In summary, the available evidence is currently insufficient to determine the role of this variant in disease. Therefore, it has been classified as a Variant of Uncertain Significance.

NM_017612.5(ZCCHC8):c.1651G>A (p.Gly551Ser)

Gene: ZCCHC8 (zinc finger CCHC-type containing 8; minus strand). Cytogenetic location: 12q24.31.
Variant type: single nucleotide variant.
Coding change: c.1651G>A on transcript NM_017612.5 (MANE Select); coding-DNA position 1651, G replaced by A.
Protein change: p.Gly551Ser; replaces glycine 551 with serine.
Molecular consequence: missense variant.
Genome position (GRCh38, 1-based): chr12:122,473,970, C>T on the plus strand (G>A on the coding strand, the complement: ZCCHC8 is on the minus strand). VCF-style: chr12-122473970-C-T. GRCh37 (hg19) VCF-style: chr12-122958517-C-T.
Other names: c.1420G>A, p.Gly474Ser (NM_001350935.2); c.1354G>A, p.Gly452Ser (NM_001350936.2); c.937G>A, p.Gly313Ser (NM_001350937.2, NM_001350938.2); short protein forms G452S, G551S, G313S, G474S.
Identifiers: ClinVar variation 2881576 (VCV002881576.3), dbSNP rs1957366010, ClinGen allele CA387047982.